The following continues an entry in ClinVar:

NM_000059.4(BRCA2):c.631G>C (p.Val211Leu)

Gene: BRCA2. ClinVar aggregate classification (germline): Pathogenic/Likely pathogenic. Pathogenic (6); Likely pathogenic (4).

Submissions 7 to 12 of 12:

Women's Health and Genetics/Laboratory Corporation of America, LabCorp
Classification: Likely pathogenic for Hereditary breast ovarian cancer syndrome. Last evaluated: 2021-02-28. Review status: criteria provided, single submitter. Criteria: LabCorp Variant Classification Summary - May 2015. Collection method: clinical testing. Allele origin: germline.
Comment: Variant summary: BRCA2 c.631G>C (p.Val211Leu) results in a conservative amino acid change in the encoded protein sequence. Four of five in-silico tools predict a benign effect of the variant on protein function. This variant alters the last nucleotide of exon 7 located adjacent to the canonical intronic splice donor site. Several computational tools predict a significant impact on normal splicing: Two predict the variant abolishes a 5' splicing donor site. One predict the variant weakens a 5' donor site. At least one publication reports experimental evidence that this variant affects mRNA splicing resulting in exon 7 skipping in an ex vivo pCAS2-BRCA2-Exon 7 minigene assay system (Di Giacomo_2013). This study also reported an activation of an upstream internal cryptic 5' splice site resulting in the excision of the last 70 nucleotides of the exon. To our knowledge, a confirmation of these findings in patient derived RNA has not been reported. The variant was absent in 250814 control chromosomes. c.631G>C has been reported in the literature in multiple individuals affected with Hereditary Breast And Ovarian Cancer Syndrome (example, Rebbeck_2018). These data indicate that the variant is very likely to be associated with disease. Three clinical diagnostic laboratories and one consortium (CIMBA, cited by Rebbeck_2018 above) have submitted clinical-significance assessments for this variant to ClinVar after 2014 without evidence for independent evaluation. All submitters classified the variant as pathogenic (n=3)/likely pathogenic (n=1). Based on the evidence outlined above, until additional in-vivo evidence confirming the observed ex-vivo impact on exon 7 skipping is identified, the variant was classified as likely pathogenic.

Quest Diagnostics Nichols Institute San Juan Capistrano
Classification: Pathogenic. Last evaluated: 2017-11-20. Review status: criteria provided, single submitter. Criteria: Quest Diagnostics criteria. Collection method: clinical testing. Allele origin: germline.

Consortium of Investigators of Modifiers of BRCA1/2 (CIMBA), c/o University of Cambridge
Classification: Pathogenic for Breast-ovarian cancer, familial, susceptibility to, 2. Last evaluated: 2015-10-02. Review status: criteria provided, single submitter. Criteria: CIMBA Mutation Classification guidelines May 2016. Collection method: clinical testing. Allele origin: germline.

GeneDx
Classification: Pathogenic. Last evaluated: 2015-03-18. Review status: criteria provided, single submitter. Criteria: GeneDx Variant Classification (06012015). Collection method: clinical testing. Allele origin: germline. Affected: yes.
Comment: This pathogenic variant is denoted BRCA2 c.631G>C at the cDNA level. Using alternate nomenclature, This variant would be defined as BRCA2 859G>C. Although the nucleotide substitution results in the change of a Valine to a Leucine at codon 211, and is called Val211Leu in the literature, we are using only the nucleotide nomenclature to refer to the mutation since the defect is determined to be one of splicing rather than a resulting missense pathogenic variant. Multiple splicing models predict that this variant may destroy the natural splice donor site for intron 7 and lead to abnormal splicing. Consistent with the splicing models, an in vitro minigene assay found that a significant proportion of transcripts produced from BRCA2 c.631G>C were missing exon 7 (Di Giacomo 2013). BRCA2 c.631G>C was not observed in approximately 6,500 individuals of European and African American ancestry in the NHLBI Exome Sequencing Project, indicating it is not a common benign variant in these populations. The nucleotide which is altered, a guanine (G) at base 631, is conserved across species. Based on the current evidence, we consider this variant to be pathogenic.

Sharing Clinical Reports Project (SCRP)
Classification: Pathogenic for Breast-ovarian cancer, familial 2. Last evaluated: 2013-10-09. Review status: no assertion criteria provided. Collection method: clinical testing. Allele origin: germline. Not counted in ClinVar's aggregate classification.

Breast Cancer Information Core (BIC) (BRCA2)
Classification: Pathogenic for Breast-ovarian cancer, familial 2. Last evaluated: 2002-05-29. Review status: no assertion criteria provided. Collection method: clinical testing. Allele origin: germline. Affected: yes. Observed: 4 variant alleles. Not counted in ClinVar's aggregate classification.

Literature cited by the submitters: PubMed 23983145 (cited by 5 submitters); PubMed 26824983 (cited by 5 submitters); PubMed 28281021 (cited by 3 submitters); PubMed 29446198 (cited by 4 submitters); PubMed 30702160 (cited by Ambry Genetics and Women's Health and Genetics/Laboratory Corporation of America, LabCorp); PubMed 31209999 (cited by Ambry Genetics); PubMed 31090900 (cited by 4 submitters); PubMed 17576681 (cited by Labcorp Genetics (formerly Invitae), Labcorp); PubMed 9536098 (cited by Labcorp Genetics (formerly Invitae), Labcorp); PubMed 19179552 (cited by Labcorp Genetics (formerly Invitae), Labcorp); PubMed 22962691 (cited by Labcorp Genetics (formerly Invitae), Labcorp); PubMed 23451180 (cited by Labcorp Genetics (formerly Invitae), Labcorp); PubMed 33471991 (cited by Color Diagnostics, LLC DBA Color Health and All of Us Research Program, National Institutes of Health); PubMed 21702907 (cited by Women's Health and Genetics/Laboratory Corporation of America, LabCorp); PubMed 23704879 (cited by Women's Health and Genetics/Laboratory Corporation of America, LabCorp); PubMed 21523855 (cited by Women's Health and Genetics/Laboratory Corporation of America, LabCorp).